The following is an entry in ClinVar:

NM_001372.4(DNAH9):c.8816A>C (p.Lys2939Thr)

Gene: DNAH9 (dynein axonemal heavy chain 9; plus strand). Cytogenetic location: 17p12.
Variant type: single nucleotide variant.
Coding change: c.8816A>C on transcript NM_001372.4 (MANE Select); coding-DNA position 8816, A replaced by C.
Protein change: p.Lys2939Thr; replaces lysine 2939 with threonine.
Molecular consequence: missense variant.
Genome position (GRCh38, 1-based): chr17:11,822,028, A>C. VCF-style: chr17-11822028-A-C. GRCh37 (hg19) VCF-style: chr17-11725345-A-C.
Other names: short protein forms K2939T.
Identifiers: ClinVar variation 2175506 (VCV002175506.4), dbSNP rs751944507, ClinGen allele CA8397045.

ClinVar aggregate classification (germline): Uncertain significance (1 of 4 stars; one submission).

Allele frequency attached by ClinVar (database versions not stated): ExAC 0.00001; gnomAD 0.00001.
gnomAD v4.1: 3 of 1,613,900 alleles (0.00019%); highest among the groups gnomAD compares: Admixed American, 0.0033%; no homozygotes.

Submission:

Labcorp Genetics (formerly Invitae), Labcorp
Classification: Uncertain significance. Last evaluated: 2022-06-16. Review status: criteria provided, single submitter. Criteria: Invitae Variant Classification Sherloc (09022015). Collection method: clinical testing. Allele origin: germline.
Comment: This sequence change replaces lysine, which is basic and polar, with threonine, which is neutral and polar, at codon 2939 of the DNAH9 protein (p.Lys2939Thr). In summary, the available evidence is currently insufficient to determine the role of this variant in disease. Therefore, it has been classified as a Variant of Uncertain Significance. Algorithms developed to predict the effect of missense changes on protein structure and function are either unavailable or do not agree on the potential impact of this missense change (SIFT: "Deleterious"; PolyPhen-2: "Benign"; Align-GVGD: "Class C0"). This variant has not been reported in the literature in individuals affected with DNAH9-related conditions. This variant is present in population databases (rs751944507, gnomAD no frequency).